The following is an entry in ClinVar:

NM_130384.3(ATRIP):c.401_402inv (p.Glu134Val)

Genes: ATRIP (ATR interacting protein; plus strand), ATRIP-TREX1 (ATRIP-TREX1 readthrough; plus strand). Cytogenetic location: 3p21.31.
Variant type: Inversion.
Coding change: c.401_402inv on transcript NM_130384.3 (MANE Select).
Protein change: p.Glu134Val; replaces glutamic acid 134 with valine.
Molecular consequence: missense variant. On other transcripts: non-coding transcript variant (1).
Genome position: GRCh38 VCF-style: chr3-48451748-AA-TT. GRCh37 (hg19) VCF-style: chr3-48493154-AA-TT.
Other names: c.20_21inv, p.Glu7Val (NM_001271022.2); c.122_123inv, p.Glu41Val (NM_001271023.2); c.401_402inv, p.Glu134Val (NM_032166.4); short protein forms E134V, E41V, E7V.
Identifiers: ClinVar variation 4181720 (VCV004181720.1).

ClinVar aggregate classification (germline): Uncertain significance (1 of 4 stars; one submission).

Submission:

Ambry Genetics
Classification: Uncertain significance. Last evaluated: 2025-07-23. Review status: criteria provided, single submitter. Criteria: Ambry Variant Classification Scheme 2023. Collection method: clinical testing. Allele origin: germline.
Comment: The c.401_402delAAinsTT variant (also known as p.E134V), located in coding exon 3 of the ATRIP gene, results from an in-frame deletion of AA and insertion of TT at nucleotide positions 401 to 402. This results in the substitution of the glutamic acid residue for a valine residue at codon 134, an amino acid with dissimilar properties. This amino acid position is well conserved in available vertebrate species. In addition, the in silico prediction for this variant is inconclusive (Choi Y et al. PLoS ONE. 2012; 7(10):e46688). The evidence for this gene-disease relationship is limited; therefore, the clinical significance of this alteration is unclear.